The following is an entry in ClinVar:

NM_001876.4(CPT1A):c.2210C>G (p.Ser737Cys)

Gene: CPT1A (carnitine palmitoyltransferase 1A; minus strand). Cytogenetic location: 11q13.3.
Variant type: single nucleotide variant.
Coding change: c.2210C>G on transcript NM_001876.4 (MANE Select); coding-DNA position 2210, C replaced by G.
Protein change: p.Ser737Cys; replaces serine 737 with cysteine.
Molecular consequence: missense variant.
Genome position (GRCh38, 1-based): chr11:68,759,594, G>C on the plus strand (C>G on the coding strand, the complement: CPT1A is on the minus strand). VCF-style: chr11-68759594-G-C. GRCh37 (hg19) VCF-style: chr11-68527062-G-C.
Other names: c.2210C>G, p.Ser737Cys (NM_001031847.3); c.2210C>G (NM_001876.3); short protein forms S737C.
Identifiers: ClinVar variation 3622173 (VCV003622173.3).

ClinVar aggregate classification (germline): Uncertain significance. Review status: criteria provided, multiple submitters, no conflicts (2 of 4 stars). 2 submissions from 2 submitters: Uncertain significance (2). Last evaluated 2025-01-27.

Conditions:
Inborn genetic diseases. Identifiers: MedGen C0950123, MeSH D030342.
Carnitine palmitoyl transferase 1A deficiency. Also called: Carnitine palmitoyltransferase type I deficiency; CPT deficiency, hepatic, type IA; CPT I DEFICIENCY; CPT DEFICIENCY, HEPATIC, TYPE I; Carnitine palmitoyltransferase 1A deficiency. Identifiers: Orphanet 156, MedGen C1829703, MONDO:0009705, OMIM 255120.

Submissions (2):

Ambry Genetics
Classification: Uncertain significance for Inborn genetic diseases. Last evaluated: 2025-01-27. Review status: criteria provided, single submitter. Criteria: Ambry Variant Classification Scheme 2023. Collection method: clinical testing. Allele origin: germline.

Labcorp Genetics (formerly Invitae), Labcorp
Classification: Uncertain significance for Carnitine palmitoyl transferase 1A deficiency. Last evaluated: 2024-04-03. Review status: criteria provided, single submitter. Criteria: Invitae Variant Classification Sherloc (09022015). Collection method: clinical testing. Allele origin: germline.
Comment: This sequence change replaces serine, which is neutral and polar, with cysteine, which is neutral and slightly polar, at codon 737 of the CPT1A protein (p.Ser737Cys). This variant is not present in population databases (gnomAD no frequency). This variant has not been reported in the literature in individuals affected with CPT1A-related conditions. Advanced modeling of protein sequence and biophysical properties (such as structural, functional, and spatial information, amino acid conservation, physicochemical variation, residue mobility, and thermodynamic stability) has been performed at Invitae for this missense variant, however the output from this modeling did not meet the statistical confidence thresholds required to predict the impact of this variant on CPT1A protein function. In summary, the available evidence is currently insufficient to determine the role of this variant in disease. Therefore, it has been classified as a Variant of Uncertain Significance.